The following is an entry in ClinVar:

NM_006767.4(LZTR1):c.1232T>G (p.Ile411Ser)

Gene: LZTR1 (leucine zipper like post translational regulator 1; plus strand). Cytogenetic location: 22q11.21.
Variant type: single nucleotide variant.
Coding change: c.1232T>G on transcript NM_006767.4 (MANE Select); coding-DNA position 1232, T replaced by G.
Protein change: p.Ile411Ser; replaces isoleucine 411 with serine.
Molecular consequence: missense variant.
Genome position (GRCh38, 1-based): chr22:20,992,876, T>G. VCF-style: chr22-20992876-T-G. GRCh37 (hg19) VCF-style: chr22-21347165-T-G.
Other names: short protein forms I411S.
Identifiers: ClinVar variation 4101879 (VCV004101879.1).

ClinVar aggregate classification (germline): Uncertain significance (1 of 4 stars; one submission).

Conditions:
Cardiovascular phenotype. Identifiers: MedGen CN230736.
Hereditary cancer-predisposing syndrome. Also called: Tumor predisposition; Neoplastic Syndromes, Hereditary; Hereditary neoplastic syndrome; Hereditary Cancer Syndrome. Identifiers: Orphanet 140162, MedGen C0027672, MeSH D009386, MONDO:0015356.

Submission:

Ambry Genetics
Classification: Uncertain significance for Cardiovascular phenotype; Hereditary cancer-predisposing syndrome. Last evaluated: 2025-07-01. Review status: criteria provided, single submitter. Criteria: Ambry Variant Classification Scheme 2023. Collection method: clinical testing. Allele origin: germline.
Comment: The p.I411S variant (also known as c.1232T>G), located in coding exon 11 of the LZTR1 gene, results from a T to G substitution at nucleotide position 1232. The isoleucine at codon 411 is replaced by serine, an amino acid with dissimilar properties. This amino acid position is conserved. In addition, this alteration is predicted to be tolerated by in silico analysis. Based on the available evidence, the clinical significance of this variant remains unclear.